The following is an entry in ClinVar:

NM_003982.4(SLC7A7):c.-18G>A

Genes: SLC7A7 (solute carrier family 7 member 7; minus strand), LOC130055324 (ATAC-STARR-seq lymphoblastoid silent region 5590; plus strand). Cytogenetic location: 14q11.2.
Variant type: single nucleotide variant.
Coding change: c.-18G>A on transcript NM_003982.4 (MANE Select); 18 bases upstream of the start codon, G replaced by A.
Molecular consequence: 5 prime UTR variant.
Genome position (GRCh38, 1-based): chr14:22,813,416, C>T on the plus strand (G>A on the coding strand, the complement: SLC7A7 is on the minus strand). VCF-style: chr14-22813416-C-T. GRCh37 (hg19) VCF-style: chr14-23282625-C-T.
Other names: c.-18G>A (NM_001126105.3, NM_001126106.4).
Identifiers: ClinVar variation 312828 (VCV000312828.9), dbSNP rs72552273, ClinGen allele CA7104777.

ClinVar aggregate classification (germline): Likely benign. Review status: criteria provided, multiple submitters, no conflicts (2 of 4 stars). 5 submissions from 5 submitters: Likely benign (4). 1 of the submissions does not count toward it. Last evaluated 2024-11-22.

Conditions:
SLC7A7-related disorder. Also called: SLC7A7-related condition.
Lysinuric protein intolerance (LPI). Identifiers: Orphanet 470, MedGen C0268647, MONDO:0009109, OMIM 222700.

Allele frequency attached by ClinVar (database versions not stated): gnomAD exomes 0.00037 and 0.00091; ExAC 0.00080; ESP Exome Variant Server 0.00134; gnomAD 0.00208 and 0.00222; 1000 Genomes Project 0.00220; 1000 Genomes Project 30x 0.00250; TOPMed 0.00251.
gnomAD v4.1: 891 of 1,607,792 alleles (0.055%); highest among the groups gnomAD compares: African/African-American, 0.53%; 3 homozygotes.

Submissions (5):

Blueprint Genetics
Classification: Likely benign. Last evaluated: 2024-11-22. Review status: criteria provided, single submitter. Criteria: ACMG Guidelines, 2015. Collection method: clinical testing. Allele origin: germline.

Illumina Laboratory Services, Illumina
Classification: Likely benign for Lysinuric protein intolerance. Last evaluated: 2018-01-13. Review status: criteria provided, single submitter. Criteria: ICSL Variant Classification Criteria 13 December 2019. Collection method: clinical testing. Allele origin: germline.
Comment: This variant was observed in the ICSL laboratory as part of a predisposition screen in an ostensibly healthy population. It had not been previously curated by ICSL or reported in the Human Gene Mutation Database (HGMD: prior to June 1st, 2018), and was therefore a candidate for classification through an automated scoring system. Utilizing variant allele frequency, disease prevalence and penetrance estimates, and inheritance mode, an automated score was calculated to assess if this variant is too frequent to cause the disease. Based on the score and internal cut-off values, a variant classified as likely benign is not then subjected to further curation. The score for this variant resulted in a classification of likely benign for this disease.

GeneDx
Classification: Likely benign. Last evaluated: 2017-05-03. Review status: criteria provided, single submitter. Criteria: GeneDx Variant Classification (06012015). Collection method: clinical testing. Allele origin: germline. Affected: yes.
Comment: This variant is considered likely benign or benign based on one or more of the following criteria: it is a conservative change, it occurs at a poorly conserved position in the protein, it is predicted to be benign by multiple in silico algorithms, and/or has population frequency not consistent with disease.

Breakthrough Genomics
Classification: Likely benign. Review status: criteria provided, single submitter. Criteria: ACMG Guidelines, 2015. Collection method: not provided. Allele origin: germline. Inheritance: Autosomal recessive inheritance. Affected: yes.

PreventionGenetics, part of Exact Sciences
Classification: Likely benign for SLC7A7-related condition. Last evaluated: 2022-04-18. Review status: no assertion criteria provided. Collection method: clinical testing. Allele origin: germline. Not counted in ClinVar's aggregate classification.
Comment: This variant is classified as likely benign based on ACMG/AMP sequence variant interpretation guidelines (Richards et al. 2015 PMID: 25741868, with internal and published modifications).